The following is an entry in ClinVar:

NM_003839.4(TNFRSF11A):c.463C>T (p.Leu155Phe)

Gene: TNFRSF11A (TNF receptor superfamily member 11a; plus strand). Cytogenetic location: 18q21.33.
Variant type: single nucleotide variant.
Coding change: c.463C>T on transcript NM_003839.4 (MANE Select); coding-DNA position 463, C replaced by T.
Protein change: p.Leu155Phe; replaces leucine 155 with phenylalanine.
Molecular consequence: missense variant. On other transcripts: intron variant (1).
Genome position (GRCh38, 1-based): chr18:62,358,283, C>T. VCF-style: chr18-62358283-C-T. GRCh37 (hg19) VCF-style: chr18-60025516-C-T.
Other names: c.463C>T, p.Leu155Phe (NM_001270949.2, NM_001270950.2, NM_001270951.2); c.428-7C>T (NM_001278268.2); short protein forms L155F.
Identifiers: ClinVar variation 2185289 (VCV002185289.6), dbSNP rs145487506, ClinGen allele CA8983769.

ClinVar aggregate classification (germline): Uncertain significance. Review status: criteria provided, multiple submitters, no conflicts (2 of 4 stars). 2 submissions from 2 submitters: Uncertain significance (2). Last evaluated 2026-01-12.

Conditions:
Inborn genetic diseases. Identifiers: MedGen C0950123, MeSH D030342.

Allele frequency attached by ClinVar (database versions not stated): gnomAD exomes 0.00001; ExAC 0.00006; TOPMed 0.00014; ESP Exome Variant Server 0.00015; gnomAD 0.00017.
gnomAD v4.1: 47 of 1,612,326 alleles (0.0029%); highest among the groups gnomAD compares: African/African-American, 0.056%; no homozygotes.

Submissions (2):

Labcorp Genetics (formerly Invitae), Labcorp
Classification: Uncertain significance. Last evaluated: 2026-01-12. Review status: criteria provided, single submitter. Criteria: Invitae Variant Classification Sherloc (09022015). Collection method: clinical testing. Allele origin: germline.
Comment: This sequence change replaces leucine, which is neutral and non-polar, with phenylalanine, which is neutral and non-polar, at codon 155 of the TNFRSF11A protein (p.Leu155Phe). This variant is present in population databases (rs145487506, gnomAD 0.06%). This variant has not been reported in the literature in individuals affected with TNFRSF11A-related conditions. ClinVar contains an entry for this variant (Variation ID: 2185289). Invitae Evidence Modeling of protein sequence and biophysical properties (such as structural, functional, and spatial information, amino acid conservation, physicochemical variation, residue mobility, and thermodynamic stability) indicates that this missense variant is not expected to disrupt TNFRSF11A protein function with a negative predictive value of 80%. In summary, the available evidence is currently insufficient to determine the role of this variant in disease. Therefore, it has been classified as a Variant of Uncertain Significance.

Ambry Genetics
Classification: Uncertain significance for Inborn genetic diseases. Last evaluated: 2025-10-22. Review status: criteria provided, single submitter. Criteria: Ambry Variant Classification Scheme 2023. Collection method: clinical testing. Allele origin: germline.